The following is an entry in ClinVar:

ClinVar aggregate classification (germline): Likely benign (1 of 4 stars; one submission).

gnomAD v4.1: 57 of 1,580,634 alleles (0.0036%); highest among the groups gnomAD compares: Non-Finnish European, 0.0046%; no homozygotes.

Submission:

CeGaT Center for Human Genetics Tuebingen
Classification: Likely benign. Last evaluated: 2022-03-01. Review status: criteria provided, single submitter. Criteria: CeGaT Center For Human Genetics Tuebingen Variant Classification Criteria Version 2. Collection method: clinical testing. Allele origin: germline. Affected: yes. Observed: 1 variant allele.
Comment: MYORG: BP4, BP7

NM_020702.5(MYORG):c.504G>A (p.Pro168=)

Gene: MYORG (myogenesis regulating glycosidase; minus strand). Cytogenetic location: 9p13.3.
Variant type: single nucleotide variant.
Coding change: c.504G>A on transcript NM_020702.5 (MANE Select); coding-DNA position 504, G replaced by A.
Protein change: p.Pro168=; no amino-acid change (proline 168 retained).
Molecular consequence: synonymous variant.
Genome position (GRCh38, 1-based): chr9:34,372,440, C>T on the plus strand (G>A on the coding strand, the complement: MYORG is on the minus strand). VCF-style: chr9-34372440-C-T. GRCh37 (hg19) VCF-style: chr9-34372438-C-T.
Identifiers: ClinVar variation 2659159 (VCV002659159.24), dbSNP rs541924604, ClinGen allele CA5033135.
Genomic context (GRCh38, chr9:34,372,440, plus strand): 5'-GCCACCATACCAGTGGGCCGCCGCGTCGCCCAAGAACATGGCGTGCTCCACGGCCCGGCC[C>T]GGCGCTGCCTCCTCCCAGCGCACGCGGTAGCACATGACCGTGTCCTTGGGCCGCACAGTC-3'
Protein context (NP_065753.2, residues 158-178): CYRVRWEEAA[Pro168=]GRAVEHAMFL